The following is an entry in ClinVar:

NM_152383.5(DIS3L2):c.847A>G (p.Lys283Glu)

Gene: DIS3L2 (DIS3 like 3'-5' exoribonuclease 2; plus strand). Cytogenetic location: 2q37.1.
Variant type: single nucleotide variant.
Coding change: c.847A>G on transcript NM_152383.5 (MANE Select); coding-DNA position 847, A replaced by G.
Protein change: p.Lys283Glu; replaces lysine 283 with glutamic acid.
Molecular consequence: missense variant. On other transcripts: non-coding transcript variant (1).
Genome position (GRCh38, 1-based): chr2:232,136,616, A>G. VCF-style: chr2-232136616-A-G. GRCh37 (hg19) VCF-style: chr2-233001326-A-G.
Other names: c.847A>G, p.Lys283Glu (NM_001257281.2); short protein forms K283E.
Identifiers: ClinVar variation 2787838 (VCV002787838.3), dbSNP rs2469848563, ClinGen allele CA351153718.

ClinVar aggregate classification (germline): Uncertain significance (1 of 4 stars; one submission).

Conditions:
Perlman syndrome (PRLMNS). Identifiers: Orphanet 2849, MedGen C0796113, MONDO:0009965, OMIM 267000.

Submission:

Labcorp Genetics (formerly Invitae), Labcorp
Classification: Uncertain significance for Perlman syndrome. Last evaluated: 2023-05-24. Review status: criteria provided, single submitter. Criteria: Invitae Variant Classification Sherloc (09022015). Collection method: clinical testing. Allele origin: germline.
Comment: In summary, the available evidence is currently insufficient to determine the role of this variant in disease. Therefore, it has been classified as a Variant of Uncertain Significance. Advanced modeling of protein sequence and biophysical properties (such as structural, functional, and spatial information, amino acid conservation, physicochemical variation, residue mobility, and thermodynamic stability) performed at Invitae indicates that this missense variant is not expected to disrupt DIS3L2 protein function. This variant has not been reported in the literature in individuals affected with DIS3L2-related conditions. This variant is not present in population databases (gnomAD no frequency). This sequence change replaces lysine, which is basic and polar, with glutamic acid, which is acidic and polar, at codon 283 of the DIS3L2 protein (p.Lys283Glu).